The following is an entry in ClinVar:

ClinVar aggregate classification (germline): Uncertain significance (1 of 4 stars; one submission).

Conditions:
Neurodevelopmental disorder with or without early-onset generalized epilepsy. Identifiers: MedGen C5436914, MONDO:0030930, OMIM 619157.

Submission:

Juno Genomics, Hangzhou Juno Genomics, Inc
Classification: Uncertain significance for Neurodevelopmental disorder with or without early-onset generalized epilepsy. Review status: criteria provided, single submitter. Criteria: ACMG Guidelines, 2015. Collection method: clinical testing. Allele origin: germline.
Comment: Absent from controls (or at extremely low frequency if recessive) in Genome Aggregation Database.;Missense variant in a gene that has a low rate of benign missense variation.

NM_001385012.1(NBEA):c.7190C>T (p.Thr2397Ile)

Gene: NBEA (neurobeachin; plus strand). Cytogenetic location: 13q13.3.
Variant type: single nucleotide variant.
Coding change: c.7190C>T on transcript NM_001385012.1 (MANE Select); coding-DNA position 7190, C replaced by T.
Protein change: p.Thr2397Ile; replaces threonine 2397 with isoleucine.
Molecular consequence: missense variant.
Genome position (GRCh38, 1-based): chr13:35,593,341, C>T. VCF-style: chr13-35593341-C-T. GRCh37 (hg19) VCF-style: chr13-36167478-C-T.
Other names: c.569C>T, p.Thr190Ile (NM_001204197.3); c.7181C>T, p.Thr2394Ile (NM_001379245.1); c.7190C>T, p.Thr2397Ile (NM_015678.5); short protein forms T2394I, T190I, T2397I.
Identifiers: ClinVar variation 5005248 (VCV005005248.2).
Genomic context (GRCh38, chr13:35,593,341, plus strand): 5'-AGCTGTGTTTAGAGTGGTCAAATTTCTGATTCTGTTTTTTTGCTTAGGAACCTTTCACAA[C>T]CTTCTTCCTCAATGCAAATGATGGAAAATTTGATCATCCAGATCGAACCTTCTCATCCGT-3'
Protein context (NP_001371941.1, residues 2387-2407): SWLVRIEPFT[Thr2397Ile]FFLNANDGKF